The following is an entry in ClinVar:

ClinVar aggregate classification (germline): Uncertain significance. Review status: criteria provided, multiple submitters, no conflicts (2 of 4 stars). 3 submissions from 3 submitters: Uncertain significance (3). Last evaluated 2025-10-10.

Conditions:
Early-infantile DEE. Also called: Early infantile epileptic encephalopathy; Early infantile epileptic encephalopathy with suppression bursts; Ohtahara syndrome. Identifiers: Orphanet 1934, MedGen C0393706, MONDO:0800491.
Developmental and epileptic encephalopathy, 5 (DEE5). Identifiers: Orphanet 3451, MedGen C3150731, MONDO:0013277, OMIM 613477.

Allele frequency attached by ClinVar (database versions not stated): gnomAD exomes 0.00001 and 0.00002; gnomAD 0.00005 and 0.00006; ExAC 0.00003; TOPMed 0.00003; ESP Exome Variant Server 0.00008.
gnomAD v4.1: 25 of 1,613,908 alleles (0.0015%); highest among the groups gnomAD compares: Admixed American, 0.0067%; no homozygotes.

Submissions (3):

Labcorp Genetics (formerly Invitae), Labcorp
Classification: Uncertain significance for Early-infantile DEE. Last evaluated: 2025-10-10. Review status: criteria provided, single submitter. Criteria: Invitae Variant Classification Sherloc (09022015). Collection method: clinical testing. Allele origin: germline.
Comment: This sequence change replaces arginine, which is basic and polar, with glutamine, which is neutral and polar, at codon 1349 of the SPTAN1 protein (p.Arg1349Gln). This variant also falls at the last nucleotide of exon 31, which is part of the consensus splice site for this exon. This variant is present in population databases (rs149367932, gnomAD 0.003%). This missense change has been observed in individuals with early-onset epilepsy (internal data). ClinVar contains an entry for this variant (Variation ID: 207287). An algorithm developed to predict the effect of missense changes on protein structure and function (PolyPhen-2) suggests that this variant is likely to be disruptive. Variants that disrupt the consensus splice site are a relatively common cause of aberrant splicing (PMID: 17576681, 9536098). Algorithms developed to predict the effect of sequence changes on RNA splicing suggest that this variant may disrupt the consensus splice site. In summary, the available evidence is currently insufficient to determine the role of this variant in disease. Therefore, it has been classified as a Variant of Uncertain Significance.

Dasa
Classification: Uncertain significance. Last evaluated: 2024-10-11. Review status: criteria provided, single submitter. Criteria: DASA Assertion Criteria. Collection method: clinical testing. Allele origin: germline.
Comment: NM_001130438.3(SPTAN1):c.4046G>A (p.Arg1349Gln) is a missense variant that results in the substitution of arginine with glutamine. This variant is rare in population databases. The currently available literature and clinical evidence are not sufficient to establish a definitive association between this variant and the reported condition. Therefore, this variant is classified as a variant of uncertain significance.

Centre for Mendelian Genomics, University Medical Centre Ljubljana
Classification: Uncertain significance for Developmental and epileptic encephalopathy, 5. Last evaluated: 2019-03-06. Review status: criteria provided, single submitter. Criteria: ACMG Guidelines, 2015. Collection method: clinical testing. Allele origin: unknown. Affected: yes.
Comment: This variant was classified as: Uncertain significance. The available evidence on this variant's pathogenicity is insufficient or conflicting. The following ACMG criteria were applied in classifying this variant: PP3.

Literature cited by the submitters: PubMed 17576681 (cited by Labcorp Genetics (formerly Invitae), Labcorp); PubMed 9536098 (cited by Labcorp Genetics (formerly Invitae), Labcorp).

NM_001130438.3(SPTAN1):c.4046G>A (p.Arg1349Gln)

Gene: SPTAN1 (spectrin alpha, non-erythrocytic 1; plus strand). Cytogenetic location: 9q34.11.
Variant type: single nucleotide variant.
Coding change: c.4046G>A on transcript NM_001130438.3 (MANE Select); coding-DNA position 4046, G replaced by A.
Protein change: p.Arg1349Gln; replaces arginine 1349 with glutamine.
Molecular consequence: missense variant.
Genome position (GRCh38, 1-based): chr9:128,605,477, G>A. VCF-style: chr9-128605477-G-A. GRCh37 (hg19) VCF-style: chr9-131367756-G-A.
Other names: c.3986G>A, p.Arg1329Gln (NM_001195532.2, NM_001363765.2); c.4046G>A, p.Arg1349Gln (NM_001363759.2, NM_003127.4); short protein forms R1349Q, R1329Q.
Identifiers: ClinVar variation 207287 (VCV000207287.12), dbSNP rs149367932, ClinGen allele CA318611.
Genomic context (GRCh38, chr9:128,605,477, plus strand): 5'-ATCAGCGCAAGGCAAAGTTGGGTGACTCCCACGACCTGCAGCGCTTCCTTAGCGATTTCC[G>A]GTACGGAGCCATGTTCACTCAGACTTCTGGAACATAGAGCCTTCTTTGTAGGGGTCATTT-3'
Protein context (NP_001123910.1, residues 1339-1359): HDLQRFLSDF[Arg1349Gln]DLMSWINGIR